The following is an entry in ClinVar:

NM_002768.5(CHMP1A):c.106-11G>A

Gene: CHMP1A (charged multivesicular body protein 1A; minus strand). Cytogenetic location: 16q24.3.
Variant type: single nucleotide variant.
Coding change: c.106-11G>A on transcript NM_002768.5 (MANE Select); 11 bases into the intron before coding-DNA position 106, G replaced by A.
Molecular consequence: intron variant.
Genome position (GRCh38, 1-based): chr16:89,649,508, C>T on the plus strand (G>A on the coding strand, the complement: CHMP1A is on the minus strand). VCF-style: chr16-89649508-C-T. GRCh37 (hg19) VCF-style: chr16-89715916-C-T.
Other names: c.86-11G>A (NM_001083314.4).
Identifiers: ClinVar variation 2647125 (VCV002647125.27), dbSNP rs3815949, ClinGen allele CA8247149.

ClinVar aggregate classification (germline): Likely benign. Review status: criteria provided, multiple submitters, no conflicts (2 of 4 stars). 2 submissions from 2 submitters: Likely benign (2). Last evaluated 2023-07-03.

Allele frequency attached by ClinVar (database versions not stated): 1000 Genomes Project 30x 0.00016.
gnomAD v4.1: 65 of 1,613,326 alleles (0.004%); highest among the groups gnomAD compares: South Asian, 0.018%; no homozygotes.

Submissions (2):

Labcorp Genetics (formerly Invitae), Labcorp
Classification: Likely benign. Last evaluated: 2023-07-03. Review status: criteria provided, single submitter. Criteria: Invitae Variant Classification Sherloc (09022015). Collection method: clinical testing. Allele origin: germline.

CeGaT Center for Human Genetics Tuebingen
Classification: Likely benign. Last evaluated: 2023-05-01. Review status: criteria provided, single submitter. Criteria: CeGaT Center For Human Genetics Tuebingen Variant Classification Criteria Version 2. Collection method: clinical testing. Allele origin: germline. Affected: yes. Observed: 1 variant allele.
Comment: CHMP1A: BP4, BP7